The following is an entry in ClinVar:

ClinVar aggregate classification (germline): Likely benign (1 of 4 stars; one submission).

Conditions:
Charcot-Marie-Tooth disease type 2B (CMT2B). Also called: Charcot-Marie-Tooth Neuropathy Type 2B; CHARCOT-MARIE-TOOTH DISEASE, AXONAL, TYPE 2B; CHARCOT-MARIE-TOOTH DISEASE, AUTOSOMAL DOMINANT, TYPE 2B; HEREDITARY MOTOR AND SENSORY NEUROPATHY IIB. Identifiers: Orphanet 99936, MedGen C1833219, MONDO:0010949, OMIM 600882.

Allele frequency attached by ClinVar (database versions not stated): TOPMed 0.00005; 1000 Genomes Project 30x 0.00109; 1000 Genomes Project 0.00160.

Submission:

Illumina Laboratory Services, Illumina
Classification: Likely benign for Charcot-Marie-Tooth disease type 2B. Last evaluated: 2018-01-13. Review status: criteria provided, single submitter. Criteria: ICSL Variant Classification Criteria 13 December 2019. Collection method: clinical testing. Allele origin: germline.
Comment: This variant was observed in the ICSL laboratory as part of a predisposition screen in an ostensibly healthy population. It had not been previously curated by ICSL or reported in the Human Gene Mutation Database (HGMD: prior to June 1st, 2018), and was therefore a candidate for classification through an automated scoring system. Utilizing variant allele frequency, disease prevalence and penetrance estimates, and inheritance mode, an automated score was calculated to assess if this variant is too frequent to cause the disease. Based on the score and internal cut-off values, a variant classified as likely benign is not then subjected to further curation. The score for this variant resulted in a classification of likely benign for this disease.

NM_004637.6(RAB7A):c.*1026G>A

Gene: RAB7A (RAB7A, member RAS oncogene family; plus strand). Cytogenetic location: 3q21.3.
Variant type: single nucleotide variant.
Coding change: c.*1026G>A on transcript NM_004637.6 (MANE Select); 1026 bases downstream of the stop codon, G replaced by A.
Molecular consequence: 3 prime UTR variant.
Genome position (GRCh38, 1-based): chr3:128,814,448, G>A. VCF-style: chr3-128814448-G-A. GRCh37 (hg19) VCF-style: chr3-128533291-G-A.
Identifiers: ClinVar variation 901115 (VCV000901115.4), dbSNP rs376185459, ClinGen allele CA82514122.